The following is an entry in ClinVar:

ClinVar aggregate classification (germline): Uncertain significance (1 of 4 stars; one submission).

Conditions:
Hereditary cancer-predisposing syndrome. Also called: Neoplastic Syndromes, Hereditary; Tumor predisposition; Hereditary Cancer Syndrome; Hereditary neoplastic syndrome. Identifiers: Orphanet 140162, MedGen C0027672, MeSH D009386, MONDO:0015356.

Submission:

Ambry Genetics
Classification: Uncertain significance for Hereditary cancer-predisposing syndrome. Last evaluated: 2025-12-15. Review status: criteria provided, single submitter. Criteria: Ambry Variant Classification Scheme 2023. Collection method: clinical testing. Allele origin: germline.
Comment: The p.V1644D variant (also known as c.4931T>A), located in coding exon 15 of the APC gene, results from a T to A substitution at nucleotide position 4931. The valine at codon 1644 is replaced by aspartic acid, an amino acid with highly dissimilar properties. This amino acid position is conserved. In addition, in silico predictors for this gene do not accurately predict pathogenicity. Based on the available evidence, the clinical significance of this variant remains unclear.

NM_000038.6(APC):c.4931T>A (p.Val1644Asp)

Gene: APC (APC regulator of Wnt signaling pathway; plus strand). Cytogenetic location: 5q22.2.
Variant type: single nucleotide variant.
Coding change: c.4931T>A on transcript NM_000038.6 (MANE Select); coding-DNA position 4931, T replaced by A.
Protein change: p.Val1644Asp; replaces valine 1644 with aspartic acid.
Molecular consequence: missense variant. On other transcripts: non-coding transcript variant (2).
Genome position (GRCh38, 1-based): chr5:112,840,525, T>A. VCF-style: chr5-112840525-T-A. GRCh37 (hg19) VCF-style: chr5-112176222-T-A.
Other names: c.4901T>A, p.Val1634Asp (NM_001407452.1); c.4754T>A, p.Val1585Asp (NM_001407453.1, NM_001354901.2); c.4682T>A, p.Val1561Asp (NM_001407454.1, NM_001407455.1, NM_001407456.1 and 1 more transcripts); c.4628T>A, p.Val1543Asp (NM_001407458.1, NM_001407459.1, NM_001407460.1 and 1 more transcripts); c.4544T>A, p.Val1515Asp (NM_001407467.1, NM_001407469.1); c.4082T>A, p.Val1361Asp (NM_001407470.1, NM_001354906.2); c.3779T>A, p.Val1260Asp (NM_001407471.1, NM_001407472.1); c.4931T>A, p.Val1644Asp (NM_001127510.3, NM_001354895.2, NM_001407450.1); and 11 more; short protein forms V1361D, V1543D, V1585D, V1616D, V1662D, V1672D, V1515D, V1518D.
Identifiers: ClinVar variation 4843508 (VCV004843508.1).